The following is an entry in ClinVar:

NM_001357.5(DHX9):c.1111C>G (p.Gln371Glu)

Gene: DHX9 (DExH-box helicase 9; plus strand). Cytogenetic location: 1q25.3.
Variant type: single nucleotide variant.
Coding change: c.1111C>G on transcript NM_001357.5 (MANE Select); coding-DNA position 1111, C replaced by G.
Protein change: p.Gln371Glu; replaces glutamine 371 with glutamic acid.
Molecular consequence: missense variant. On other transcripts: non-coding transcript variant (1).
Genome position (GRCh38, 1-based): chr1:182,859,088, C>G. VCF-style: chr1-182859088-C-G. GRCh37 (hg19) VCF-style: chr1-182828223-C-G.
Other names: short protein forms Q371E.
Identifiers: ClinVar variation 4540352 (VCV004540352.1).

ClinVar aggregate classification (germline): Uncertain significance (1 of 4 stars; one submission).

gnomAD v4.1: 3 of 1,614,000 alleles (0.00019%); highest among the groups gnomAD compares: South Asian, 0.0011%; no homozygotes.

Submission:

GeneDx
Classification: Uncertain significance. Last evaluated: 2025-06-24. Review status: criteria provided, single submitter. Criteria: GeneDx Variant Classification Process June 2021. Collection method: clinical testing. Allele origin: germline. Affected: yes.
Comment: Not observed at significant frequency in large population cohorts (gnomAD); In silico analysis suggests that this missense variant does not alter protein structure/function; Has not been previously published as pathogenic or benign to our knowledge